The following is an entry in ClinVar:

NM_000875.5(IGF1R):c.3933G>A (p.Ser1311=)

Gene: IGF1R (insulin like growth factor 1 receptor; plus strand). Cytogenetic location: 15q26.3.
Variant type: single nucleotide variant.
Coding change: c.3933G>A on transcript NM_000875.5 (MANE Select); coding-DNA position 3933, G replaced by A.
Protein change: p.Ser1311=; no amino-acid change (serine 1311 retained).
Molecular consequence: synonymous variant.
Genome position (GRCh38, 1-based): chr15:98,957,271, G>A. VCF-style: chr15-98957271-G-A. GRCh37 (hg19) VCF-style: chr15-99500500-G-A.
Other names: c.3930G>A, p.Ser1310= (NM_001291858.2).
Identifiers: ClinVar variation 2984248 (VCV002984248.16), dbSNP rs772548144, ClinGen allele CA7752834.

ClinVar aggregate classification (germline): Likely benign. Review status: criteria provided, multiple submitters, no conflicts (2 of 4 stars). 2 submissions from 2 submitters: Likely benign (2). Last evaluated 2025-01-01.

Allele frequency attached by ClinVar (database versions not stated): gnomAD 0.00002; TOPMed 0.00004; ExAC 0.00005.
gnomAD v4.1: 82 of 1,613,786 alleles (0.0051%); highest among the groups gnomAD compares: Middle Eastern, 0.033%; no homozygotes.

Submissions (2):

CeGaT Center for Human Genetics Tuebingen
Classification: Likely benign. Last evaluated: 2025-01-01. Review status: criteria provided, single submitter. Criteria: CeGaT Center For Human Genetics Tuebingen Variant Classification Criteria Version 2. Collection method: clinical testing. Allele origin: germline. Affected: yes. Observed: 1 variant allele.
Comment: IGF1R: BP4, BP7

Labcorp Genetics (formerly Invitae), Labcorp
Classification: Likely benign. Last evaluated: 2024-10-21. Review status: criteria provided, single submitter. Criteria: Invitae Variant Classification Sherloc (09022015). Collection method: clinical testing. Allele origin: germline.